The following is an entry in ClinVar:

NM_005633.4(SOS1):c.1357G>A (p.Val453Ile)

Gene: SOS1 (SOS Ras/Rac guanine nucleotide exchange factor 1; minus strand). Cytogenetic location: 2p22.1.
Variant type: single nucleotide variant.
Coding change: c.1357G>A on transcript NM_005633.4 (MANE Select); coding-DNA position 1357, G replaced by A.
Protein change: p.Val453Ile; replaces valine 453 with isoleucine.
Molecular consequence: missense variant.
Genome position (GRCh38, 1-based): chr2:39,023,071, C>T on the plus strand (G>A on the coding strand, the complement: SOS1 is on the minus strand). VCF-style: chr2-39023071-C-T. GRCh37 (hg19) VCF-style: chr2-39250212-C-T.
Other names: c.1336G>A, p.Val446Ile (NM_001382394.1); c.1357G>A, p.Val453Ile (NM_001382395.1); short protein forms V453I, V446I.
Identifiers: ClinVar variation 971571 (VCV000971571.11), dbSNP rs1669848256, ClinGen allele CA346366358.
Genomic context (GRCh38, chr2:39,023,071, plus strand): 5'-ATTTACAGCAAATCATTAAGCCATCAAAGAGAAATATGTGTCTCTCATGTTTGGCTCCTA[C>T]ACGTGTAAGAGTTCCTTCCATTATAAATTCATTACAACACTGTCCAATGTCTTTTCCCTC-3'
Protein context (NP_005624.2, residues 443-463): EFIMEGTLTR[Val453Ile]GAKHERHIFL

ClinVar aggregate classification (germline): Uncertain significance. Review status: criteria provided, multiple submitters, no conflicts (2 of 4 stars). 4 submissions from 3 submitters: Uncertain significance (4). Last evaluated 2024-02-24.

Conditions:
Cardiovascular phenotype. Identifiers: MedGen CN230736.
RASopathy. Also called: rasopathies; Noonan spectrum disorder. Identifiers: Orphanet 536391, MedGen C5555857, MONDO:0021060.
Fibromatosis, gingival, 1 (GINGF1). Identifiers: Orphanet 2024, MedGen C4551558, MONDO:0007609, OMIM 135300.
Noonan syndrome 4 (NS4). Also called: NOONAN SYNDROME WITH PIGMENTED VILLONODULAR SYNOVITIS; SOS1-Related Noonan Syndrome. Identifiers: Orphanet 648, MedGen C1853120, MONDO:0012547, OMIM 610733.

Allele frequency attached by ClinVar (database versions not stated): gnomAD exomes below 0.00001.
gnomAD v4.1: 6 of 1,613,778 alleles (0.00037%); highest among the groups gnomAD compares: Non-Finnish European, 0.00051%; no homozygotes.

Submissions (4):

Labcorp Genetics (formerly Invitae), Labcorp
Classification: Uncertain significance for RASopathy. Last evaluated: 2024-02-24. Review status: criteria provided, single submitter. Criteria: Invitae Variant Classification Sherloc (09022015). Collection method: clinical testing. Allele origin: germline.
Comment: This sequence change replaces valine, which is neutral and non-polar, with isoleucine, which is neutral and non-polar, at codon 453 of the SOS1 protein (p.Val453Ile). This variant is not present in population databases (gnomAD no frequency). This variant has not been reported in the literature in individuals affected with SOS1-related conditions. ClinVar contains an entry for this variant (Variation ID: 971571). Advanced modeling of protein sequence and biophysical properties (such as structural, functional, and spatial information, amino acid conservation, physicochemical variation, residue mobility, and thermodynamic stability) performed at Invitae indicates that this missense variant is not expected to disrupt SOS1 protein function with a negative predictive value of 95%. In summary, the available evidence is currently insufficient to determine the role of this variant in disease. Therefore, it has been classified as a Variant of Uncertain Significance.

Ambry Genetics
Classification: Uncertain significance for Cardiovascular phenotype. Last evaluated: 2019-07-29. Review status: criteria provided, single submitter. Criteria: Ambry Variant Classification Scheme 2023. Collection method: clinical testing. Allele origin: germline.
Comment: The p.V453I variant (also known as c.1357G>A), located in coding exon 10 of the SOS1 gene, results from a G to A substitution at nucleotide position 1357. The valine at codon 453 is replaced by isoleucine, an amino acid with highly similar properties. This amino acid position is well conserved in available vertebrate species. In addition, this alteration is predicted to be tolerated by in silico analysis. Since supporting evidence is limited at this time, the clinical significance of this alteration remains unclear.

Genome-Nilou Lab
Classification: Uncertain significance for Noonan syndrome 4. Review status: criteria provided, single submitter. Criteria: ACMG Guidelines, 2015. Collection method: clinical testing. Allele origin: germline.

Genome-Nilou Lab
Classification: Uncertain significance for Fibromatosis, gingival, 1. Review status: criteria provided, single submitter. Criteria: ACMG Guidelines, 2015. Collection method: clinical testing. Allele origin: germline.